The following is an entry in ClinVar:

ClinVar aggregate classification (germline): Benign (1 of 4 stars; one submission).

Allele frequency attached by ClinVar (database versions not stated): 1000 Genomes Project 0.10403; 1000 Genomes Project 30x 0.10587; gnomAD 0.12015 and 0.12626; TOPMed 0.12204.
gnomAD v4.1: 18,213 of 152,234 alleles (12%); highest among the groups gnomAD compares: African/African-American, 23%; 1,544 homozygotes.

Submission:

GeneDx
Classification: Benign. Last evaluated: 2018-06-14. Review status: criteria provided, single submitter. Criteria: GeneDx Variant Classification (06012015). Collection method: clinical testing. Allele origin: germline. Affected: yes.
Comment: This variant is considered likely benign or benign based on one or more of the following criteria: it is a conservative change, it occurs at a poorly conserved position in the protein, it is predicted to be benign by multiple in silico algorithms, and/or has population frequency not consistent with disease.

NM_016373.4(WWOX):c.516+316T>C

Gene: WWOX (WW domain containing oxidoreductase; plus strand). Cytogenetic location: 16q23.1.
Variant type: single nucleotide variant.
Coding change: c.516+316T>C on transcript NM_016373.4 (MANE Select); 316 bases into the intron after coding-DNA position 516, T replaced by C.
Molecular consequence: intron variant.
Genome position (GRCh38, 1-based): chr16:78,164,605, T>C. VCF-style: chr16-78164605-T-C. GRCh37 (hg19) VCF-style: chr16-78198502-T-C.
Other names: c.177+316T>C (NM_001291997.2); c.516+316T>C (NM_130791.5).
Identifiers: ClinVar variation 669488 (VCV000669488.1), dbSNP rs12325408, ClinGen allele CA16528975.